The following is an entry in ClinVar:

ClinVar aggregate classification (germline): Uncertain significance. Review status: criteria provided, multiple submitters, no conflicts (2 of 4 stars). 2 submissions from 2 submitters: Uncertain significance (2). Last evaluated 2025-11-24.

Conditions:
Inborn genetic diseases. Identifiers: MedGen C0950123, MeSH D030342.

gnomAD v4.1: 14 of 1,614,022 alleles (0.00087%); highest among the groups gnomAD compares: Non-Finnish European, 0.001%; no homozygotes.

Submissions (2):

Ambry Genetics
Classification: Uncertain significance for Inborn genetic diseases. Last evaluated: 2025-11-24. Review status: criteria provided, single submitter. Criteria: Ambry Variant Classification Scheme 2023. Collection method: clinical testing. Allele origin: germline.

Labcorp Genetics (formerly Invitae), Labcorp
Classification: Uncertain significance. Last evaluated: 2025-11-23. Review status: criteria provided, single submitter. Criteria: Invitae Variant Classification Sherloc (09022015). Collection method: clinical testing. Allele origin: germline.
Comment: This sequence change replaces leucine, which is neutral and non-polar, with valine, which is neutral and non-polar, at codon 2828 of the FREM2 protein (p.Leu2828Val). This variant is present in population databases (rs199624513, gnomAD 0.002%). This variant has not been reported in the literature in individuals affected with FREM2-related conditions. Invitae Evidence Modeling of protein sequence and biophysical properties (such as structural, functional, and spatial information, amino acid conservation, physicochemical variation, residue mobility, and thermodynamic stability) indicates that this missense variant is expected to disrupt FREM2 protein function with a positive predictive value of 80%. In summary, the available evidence is currently insufficient to determine the role of this variant in disease. Therefore, it has been classified as a Variant of Uncertain Significance.

NM_207361.6(FREM2):c.8482C>G (p.Leu2828Val)

Gene: FREM2 (FRAS1 related extracellular matrix 2; plus strand). Cytogenetic location: 13q13.3.
Variant type: single nucleotide variant.
Coding change: c.8482C>G on transcript NM_207361.6 (MANE Select); coding-DNA position 8482, C replaced by G.
Protein change: p.Leu2828Val; replaces leucine 2828 with valine.
Molecular consequence: missense variant.
Genome position (GRCh38, 1-based): chr13:38,876,320, C>G. VCF-style: chr13-38876320-C-G. GRCh37 (hg19) VCF-style: chr13-39450457-C-G.
Other names: short protein forms L2828V.
Identifiers: ClinVar variation 4620348 (VCV004620348.2).
Genomic context (GRCh38, chr13:38,876,320, plus strand): 5'-TCAGGGACCTATACTGTGAAGCTGGTGCCATGCACTGCCCCATCACATCAGGAATACCGC[C>G]TGCCAGTCACCTGCAACCCCAGAGAACCTGTCACCTTTGACCTTGACATCCGATTCCAAC-3'
Protein context (NP_997244.4, residues 2818-2838): CTAPSHQEYR[Leu2828Val]PVTCNPREPV